The following is an entry in ClinVar:

NM_001378452.1(ITPR1):c.1152-7C>T

Gene: ITPR1 (inositol 1,4,5-trisphosphate receptor type 1; plus strand). Cytogenetic location: 3p26.1.
Variant type: single nucleotide variant.
Coding change: c.1152-7C>T on transcript NM_001378452.1 (MANE Select); 7 bases into the intron before coding-DNA position 1152, C replaced by T.
Molecular consequence: intron variant.
Genome position (GRCh38, 1-based): chr3:4,660,981, C>T. VCF-style: chr3-4660981-C-T. GRCh37 (hg19) VCF-style: chr3-4702665-C-T.
Other names: c.1152-7C>T (NM_001099952.4); c.1107-7C>T (NM_001168272.2, NM_002222.7).
Identifiers: ClinVar variation 3388511 (VCV003388511.14).
Genomic context (GRCh38, chr3:4,660,981, plus strand): 5'-TAGACTAGGGGCTATAGAGTAAACCTCAATATTTATTTCCCTAAAACCCTCCTTTTTTCC[C>T]TGTTAGGAACTCTTATGTTCGGCTCAGACACCTATGTACTAATACCTGGGTTCACAGCAC-3'

ClinVar aggregate classification (germline): Uncertain significance (1 of 4 stars; one submission).

gnomAD v4.1: 6 of 1,489,130 alleles (0.0004%); highest among the groups gnomAD compares: Non-Finnish European, 0.00056%; no homozygotes.

Submission:

CeGaT Center for Human Genetics Tuebingen
Classification: Uncertain significance. Last evaluated: 2024-09-01. Review status: criteria provided, single submitter. Criteria: CeGaT Center For Human Genetics Tuebingen Variant Classification Criteria Version 2. Collection method: clinical testing. Allele origin: germline. Affected: yes. Observed: 1 variant allele.
Comment: ITPR1: PM2, BP4